The following is an entry in ClinVar:

ClinVar aggregate classification (germline): Likely pathogenic (1 of 4 stars; one submission).

Conditions:
Spastic paraplegia. Identifiers: MedGen C0037772, HP:0001258.

Submission:

Labcorp Genetics (formerly Invitae), Labcorp
Classification: Likely pathogenic for Spastic paraplegia. Last evaluated: 2021-10-08. Review status: criteria provided, single submitter. Criteria: Invitae Variant Classification Sherloc (09022015). Collection method: clinical testing. Allele origin: germline.
Comment: This sequence change affects an acceptor splice site in intron 15 of the L1CAM gene. It is expected to disrupt RNA splicing. Variants that disrupt the donor or acceptor splice site typically lead to a loss of protein function (PMID: 16199547), and loss-of-function variants in L1CAM are known to be pathogenic (PMID: 19846429). This variant is not present in population databases (ExAC no frequency). Disruption of this splice site has been observed in individual(s) with clinical features of X-linked L1 Syndrome (PMID: 19846429, 23820807). Algorithms developed to predict the effect of sequence changes on RNA splicing suggest that this variant may disrupt the consensus splice site. In summary, the currently available evidence indicates that the variant is pathogenic, but additional data are needed to prove that conclusively. Therefore, this variant has been classified as Likely Pathogenic.

Literature cited by the submitters: PubMed 16199547; PubMed 19846429; PubMed 23820807.

NM_001278116.2(L1CAM):c.1940-1G>A

Gene: L1CAM (L1 cell adhesion molecule; minus strand). Cytogenetic location: Xq28.
Variant type: single nucleotide variant.
Coding change: c.1940-1G>A on transcript NM_001278116.2 (MANE Select); the canonical splice acceptor site of the intron before coding-DNA position 1940, G replaced by A.
Molecular consequence: splice acceptor variant.
Genome position (GRCh38, 1-based): chrX:153,867,554, C>T on the plus strand (G>A on the coding strand, the complement: L1CAM is on the minus strand). VCF-style: chrX-153867554-C-T. GRCh37 (hg19) VCF-style: chrX-153133009-C-T.
Other names: c.1925-1G>A (NM_001143963.2); c.1940-1G>A (NM_024003.3, NM_000425.5).
Identifiers: ClinVar variation 1509471 (VCV001509471.6), dbSNP rs2148495739, ClinGen allele CA415122349.